The following is an entry in ClinVar:

NM_004168.4(SDHA):c.1207C>T (p.Leu403Phe)

Gene: SDHA (succinate dehydrogenase complex flavoprotein subunit A; plus strand). Cytogenetic location: 5p15.33.
Variant type: single nucleotide variant.
Coding change: c.1207C>T on transcript NM_004168.4 (MANE Select); coding-DNA position 1207, C replaced by T.
Protein change: p.Leu403Phe; replaces leucine 403 with phenylalanine.
Molecular consequence: missense variant.
Genome position (GRCh38, 1-based): chr5:235,286, C>T. VCF-style: chr5-235286-C-T. GRCh37 (hg19) VCF-style: chr5-235401-C-T.
Other names: c.1207C>T (NM_004168.2); c.1063C>T, p.Leu355Phe (NM_001294332.2); c.1207C>T, p.Leu403Phe (NM_001330758.2); short protein forms L403F, L355F.
Identifiers: ClinVar variation 1960087 (VCV001960087.6), dbSNP rs1386175077, ClinGen allele CA359013670.
Genomic context (GRCh38, chr5:235,286, plus strand): 5'-ATTTCAGAGACAGCCATGATCTTCGCTGGCGTGGACGTCACGAAGGAGCCGATCCCTGTC[C>T]TCCCCACCGTGCATTATAACATGGGCGGCATTCCCACCAACTACAAGGGGCAGGTGATGG-3'
Protein context (NP_004159.2, residues 393-413): VDVTKEPIPV[Leu403Phe]PTVHYNMGGI

ClinVar aggregate classification (germline): Uncertain significance. Review status: criteria provided, multiple submitters, no conflicts (2 of 4 stars). 2 submissions from 2 submitters: Uncertain significance (2). Last evaluated 2025-01-20.

Conditions:
Hereditary cancer-predisposing syndrome. Also called: Tumor predisposition; Hereditary Cancer Syndrome; Hereditary neoplastic syndrome; Neoplastic Syndromes, Hereditary. Identifiers: Orphanet 140162, MedGen C0027672, MeSH D009386, MONDO:0015356.
Mitochondrial complex II deficiency, nuclear type 1. Also called: SUCCINATE CoQ REDUCTASE DEFICIENCY. Identifiers: Orphanet 3208, MedGen C5700310, MONDO:0100294, OMIM 252011.
Pheochromocytoma/paraganglioma syndrome 5. Also called: Paragangliomas 5; SDHA-Related Hereditary Paraganglioma-Pheochromocytoma Syndrome. Identifiers: Orphanet 29072, MedGen C3279992, MONDO:0013602, OMIM 614165.

Submissions (2):

Labcorp Genetics (formerly Invitae), Labcorp
Classification: Uncertain significance for Pheochromocytoma/paraganglioma syndrome 5; Mitochondrial complex II deficiency, nuclear type 1. Last evaluated: 2025-01-20. Review status: criteria provided, single submitter. Criteria: Invitae Variant Classification Sherloc (09022015). Collection method: clinical testing. Allele origin: germline.
Comment: This sequence change replaces leucine, which is neutral and non-polar, with phenylalanine, which is neutral and non-polar, at codon 403 of the SDHA protein (p.Leu403Phe). This variant is not present in population databases (gnomAD no frequency). This variant has not been reported in the literature in individuals affected with SDHA-related conditions. ClinVar contains an entry for this variant (Variation ID: 1960087). Invitae Evidence Modeling of protein sequence and biophysical properties (such as structural, functional, and spatial information, amino acid conservation, physicochemical variation, residue mobility, and thermodynamic stability) indicates that this missense variant is not expected to disrupt SDHA protein function with a negative predictive value of 95%. In summary, the available evidence is currently insufficient to determine the role of this variant in disease. Therefore, it has been classified as a Variant of Uncertain Significance.

Ambry Genetics
Classification: Uncertain significance for Hereditary cancer-predisposing syndrome. Last evaluated: 2024-03-23. Review status: criteria provided, single submitter. Criteria: Ambry Variant Classification Scheme 2023. Collection method: clinical testing. Allele origin: germline.
Comment: The p.L403F variant (also known as c.1207C>T), located in coding exon 9 of the SDHA gene, results from a C to T substitution at nucleotide position 1207. The leucine at codon 403 is replaced by phenylalanine, an amino acid with highly similar properties. This amino acid position is conserved. In addition, the in silico prediction for this alteration is inconclusive. Based on the available evidence, the clinical significance of this alteration remains unclear.